The following is an entry in ClinVar:

NM_001374736.1(DST):c.217-1G>A

Gene: DST (dystonin; minus strand). Cytogenetic location: 6p12.1.
Variant type: single nucleotide variant.
Coding change: c.217-1G>A on transcript NM_001374736.1 (MANE Select); the canonical splice acceptor site of the intron before coding-DNA position 217, G replaced by A.
Molecular consequence: splice acceptor variant.
Genome position (GRCh38, 1-based): chr6:56,900,622, C>T on the plus strand (G>A on the coding strand, the complement: DST is on the minus strand). VCF-style: chr6-56900622-C-T. GRCh37 (hg19) VCF-style: chr6-56765420-C-T.
Other names: c.244-1G>A (NM_001374734.1); c.217-1G>A (NM_001144769.5, NM_001374722.1).
Identifiers: ClinVar variation 452322 (VCV000452322.7), dbSNP rs1310802903, ClinGen allele CA364619666.
Genomic context (GRCh38, chr6:56,900,622, plus strand): 5'-ACGGGCAGCTGCGGCCGCTGCAACTCGTCTTCTAAGATGCCGAGGGCTTGCTCTGAATCC[C>T]TGTGGCAGAAAACACAACCAAGCAAATCCAGATTTGTATTGAGTTAGTCTGGAAGTTCTC-3'

ClinVar aggregate classification (germline): Likely pathogenic (1 of 4 stars; one submission).

Allele frequency attached by ClinVar (database versions not stated): TOPMed 0.00001; gnomAD 0.00001.
gnomAD v4.1: 2 of 1,366,998 alleles (0.00015%); highest among the groups gnomAD compares: Non-Finnish European, 0.0002%; no homozygotes.

Submission:

GeneDx
Classification: Likely pathogenic. Last evaluated: 2026-09-02. Review status: criteria provided, single submitter. Criteria: GeneDx Variant Classification Process June 2021. Collection method: clinical testing. Allele origin: germline.
Comment: Canonical splice site variant predicted to result in an in-frame loss of the adjacent exon in a gene for which loss of function is a known mechanism of disease; Not observed at significant frequency in large population cohorts (gnomAD); Has not been previously published as pathogenic or benign to our knowledge; Reported using an alternate transcript (non-epithelial isoform) of the gene.